The following is an entry in ClinVar:

ClinVar aggregate classification (germline): Uncertain significance (1 of 4 stars; one submission).

Conditions:
SLC10A1-related disorder. Also called: SLC10A1-related condition.

Submission:

PreventionGenetics, part of Exact Sciences
Classification: Uncertain significance for SLC10A1-related condition. Last evaluated: 2026-02-22. Review status: criteria provided, single submitter. Criteria: ACMG Guidelines, 2015. Collection method: clinical testing. Allele origin: germline.
Comment: The SLC10A1 c.46C>A variant is predicted to result in the amino acid substitution p.Pro16Thr. To our knowledge, this variant has not been reported in the literature or in a large population database (gnomAD), indicating this variant is rare. At this time, the clinical significance of this variant is uncertain due to the absence of conclusive functional and genetic evidence.

NM_003049.4(SLC10A1):c.46C>A (p.Pro16Thr)

Gene: SLC10A1 (solute carrier family 10 member 1; minus strand). Cytogenetic location: 14q24.1.
Variant type: single nucleotide variant.
Coding change: c.46C>A on transcript NM_003049.4 (MANE Select); coding-DNA position 46, C replaced by A.
Protein change: p.Pro16Thr; replaces proline 16 with threonine.
Molecular consequence: missense variant.
Genome position (GRCh38, 1-based): chr14:69,797,110, G>T on the plus strand (C>A on the coding strand, the complement: SLC10A1 is on the minus strand). VCF-style: chr14-69797110-G-T. GRCh37 (hg19) VCF-style: chr14-70263827-G-T.
Other names: short protein forms P16T.
Identifiers: ClinVar variation 4995601 (VCV004995601.1).